The following is an entry in ClinVar:

ClinVar aggregate classification (germline): Uncertain significance (1 of 4 stars; one submission).

Submission:

Labcorp Genetics (formerly Invitae), Labcorp
Classification: Uncertain significance. Last evaluated: 2022-08-15. Review status: criteria provided, single submitter. Criteria: Invitae Variant Classification Sherloc (09022015). Collection method: clinical testing. Allele origin: germline.
Comment: In summary, the available evidence is currently insufficient to determine the role of this variant in disease. Therefore, it has been classified as a Variant of Uncertain Significance. Algorithms developed to predict the effect of missense changes on protein structure and function (SIFT, PolyPhen-2, Align-GVGD) all suggest that this variant is likely to be tolerated. Algorithms developed to predict the effect of sequence changes on RNA splicing suggest that this variant may disrupt the consensus splice site. This sequence change replaces aspartic acid, which is acidic and polar, with asparagine, which is neutral and polar, at codon 187 of the ANKZF1 protein (p.Asp187Asn). This variant is not present in population databases (gnomAD no frequency). This variant has not been reported in the literature in individuals affected with ANKZF1-related conditions. ClinVar contains an entry for this variant (Variation ID: 1484483).

NM_018089.3(ANKZF1):c.559G>A (p.Asp187Asn)

Gene: ANKZF1 (ankyrin repeat and zinc finger peptidyl tRNA hydrolase 1; plus strand). Cytogenetic location: 2q35.
Variant type: single nucleotide variant.
Coding change: c.559G>A on transcript NM_018089.3 (MANE Select); coding-DNA position 559, G replaced by A.
Protein change: p.Asp187Asn; replaces aspartic acid 187 with asparagine.
Molecular consequence: missense variant. On other transcripts: 5 prime UTR variant (1).
Genome position (GRCh38, 1-based): chr2:219,233,079, G>A. VCF-style: chr2-219233079-G-A. GRCh37 (hg19) VCF-style: chr2-220097801-G-A.
Other names: c.559G>A, p.Asp187Asn (NM_001042410.2); c.-72G>A (NM_001282792.2); short protein forms D187N.
Identifiers: ClinVar variation 1484483 (VCV001484483.8), dbSNP rs2106460526, ClinGen allele CA350674256.